The following is an entry in ClinVar:

NM_000517.6(HBA2):c.226G>C (p.Asp76His)

Genes: HBA2 (hemoglobin subunit alpha 2; plus strand), LOC106804612 (hemoglobin subunit alpha 2 recombination region; plus strand). Cytogenetic location: 16p13.3.
Variant type: single nucleotide variant.
Coding change: c.226G>C on transcript NM_000517.6 (MANE Select); coding-DNA position 226, G replaced by C.
Protein change: p.Asp76His; replaces aspartic acid 76 with histidine.
Molecular consequence: missense variant.
Genome position (GRCh38, 1-based): chr16:173,255, G>C. VCF-style: chr16-173255-G-C. GRCh37 (hg19) VCF-style: chr16-223254-G-C.
Other names: short protein forms D76H.
Identifiers: ClinVar variation 3572110 (VCV003572110.2).

ClinVar aggregate classification (germline): Conflicting classifications of pathogenicity. Review status: criteria provided, conflicting classifications (1 of 4 stars). 2 submissions from 2 submitters: Uncertain significance (1); Likely benign (1). Last evaluated 2023-12-01.

Submissions (2):

ARUP Laboratories, Molecular Genetics and Genomics, ARUP Laboratories
Classification: Likely benign. Last evaluated: 2023-12-01. Review status: criteria provided, single submitter. Criteria: ARUP Molecular Germline Variant Investigation Process 2024. Collection method: clinical testing. Allele origin: germline.
Comment: The Hb Q-Iran variant (HBA2: c.226G>C; p.Asp76His, also known as Asp75His when numbered from the mature protein, rs281864858, HbVar ID: 111) is reported in the literature in heterozygous individuals with no hematological abnormalities (see HbVar and references therein, Moradi 2019). This variant is absent from the Genome Aggregation Database, indicating it is not a common polymorphism. Computational analyses are uncertain whether this variant is neutral or deleterious (REVEL: 0.679). Based on available information, this variant is considered to be likely benign. References: Link to HbVar database: Moradi K et al. The Spectrum of a-Thalassemia Mutations in the Lak Population of Iran. Hemoglobin. 2019 Mar;43(2):107-111. PMID: 31304855.

Quest Diagnostics Nichols Institute San Juan Capistrano
Classification: Uncertain significance. Last evaluated: 2023-10-26. Review status: criteria provided, single submitter. Criteria: Quest Diagnostics criteria. Collection method: clinical testing. Allele origin: unknown.
Comment: The HBA2 c.226G>C (p.Asp76His) variant has been reported in the published literature in individuals described as alpha thalassemia carriers (PMID: 29627922 (2018), 31304855 (2019), 32893703 (2020)). In addition, this variant is described as having normal stability and a normal clinical presentation (HbVar). This variant has not been reported in large, multi-ethnic general populations (Genome Aggregation Database). Analysis of this variant using bioinformatics tools for the prediction of the effect of amino acid changes on protein structure and function yielded conflicting predictions that this variant is deleterious or benign. Based on the available information, we are unable to determine the clinical significance of this variant.

Literature cited by the submitters: PubMed 31304855 (cited by Quest Diagnostics Nichols Institute San Juan Capistrano); PubMed 32893703 (cited by Quest Diagnostics Nichols Institute San Juan Capistrano); PubMed 32597250 (cited by Quest Diagnostics Nichols Institute San Juan Capistrano); PubMed 29627922 (cited by Quest Diagnostics Nichols Institute San Juan Capistrano); PubMed 26574177 (cited by Quest Diagnostics Nichols Institute San Juan Capistrano); PubMed 23402770 (cited by Quest Diagnostics Nichols Institute San Juan Capistrano); PubMed 26635043 (cited by Quest Diagnostics Nichols Institute San Juan Capistrano); PubMed 25130136 (cited by Quest Diagnostics Nichols Institute San Juan Capistrano).